The following is an entry in ClinVar:

NM_022124.6(CDH23):c.2953G>C (p.Val985Leu)

Gene: CDH23 (cadherin related 23; plus strand). Cytogenetic location: 10q22.1.
Variant type: single nucleotide variant.
Coding change: c.2953G>C on transcript NM_022124.6 (MANE Select); coding-DNA position 2953, G replaced by C.
Protein change: p.Val985Leu; replaces valine 985 with leucine.
Molecular consequence: missense variant.
Genome position (GRCh38, 1-based): chr10:71,705,130, G>C. VCF-style: chr10-71705130-G-C. GRCh37 (hg19) VCF-style: chr10-73464887-G-C.
Other names: c.2953G>C, p.Val985Leu (NM_001171930.2, NM_001171931.2); short protein forms V985L.
Identifiers: ClinVar variation 966408 (VCV000966408.9), dbSNP rs374964318, ClinGen allele CA5544381.

ClinVar aggregate classification (germline): Conflicting classifications of pathogenicity. Review status: criteria provided, conflicting classifications (1 of 4 stars). 5 submissions from 5 submitters: Uncertain significance (3); Benign (1). 1 of the submissions does not count toward it. Last evaluated 2026-04-01.

Conditions:
CDH23-related disorder. Also called: CDH23-related disorders; CDH23-related condition.
Pituitary adenoma 5, multiple types. Identifiers: MedGen C4539685, MONDO:0054601, OMIM 617540.
Usher syndrome type 1D (USH1D). Also called: USHER SYNDROME, TYPE ID. Identifiers: Orphanet 231169, Orphanet 886, MedGen C1832845, MONDO:0010984, OMIM 601067.
Autosomal recessive nonsyndromic hearing loss 12. Also called: DEAFNESS, AUTOSOMAL RECESSIVE 12. Identifiers: Orphanet 90636, MedGen C1832394, MONDO:0011067, OMIM 601386.
Usher syndrome type 1 (USH1). Also called: RETINITIS PIGMENTOSA AND CONGENITAL DEAFNESS. Identifiers: Orphanet 231169, Orphanet 886, MedGen C1568247, MONDO:0010168, OMIM 276900.

Allele frequency attached by ClinVar (database versions not stated): ExAC 0.00001; gnomAD exomes 0.00002 and 0.00006; gnomAD 0.00007; TOPMed 0.00007; ESP Exome Variant Server 0.00008.
gnomAD v4.1: 92 of 1,608,304 alleles (0.0057%); highest among the groups gnomAD compares: African/African-American, 0.0094%; no homozygotes.

Submissions (5):

PreventionGenetics, part of Exact Sciences
Classification: Benign for CDH23-related condition. Last evaluated: 2026-04-01. Review status: criteria provided, single submitter. Criteria: ACMG Guidelines, 2015. Collection method: clinical testing. Allele origin: germline.
Comment: This variant is classified as benign based on ACMG/AMP sequence variant interpretation guidelines (Richards et al. 2015 PMID: 25741868, with internal and published modifications).

Labcorp Genetics (formerly Invitae), Labcorp
Classification: Uncertain significance. Last evaluated: 2025-03-31. Review status: criteria provided, single submitter. Criteria: Invitae Variant Classification Sherloc (09022015). Collection method: clinical testing. Allele origin: germline.
Comment: This sequence change replaces valine, which is neutral and non-polar, with leucine, which is neutral and non-polar, at codon 985 of the CDH23 protein (p.Val985Leu). This variant also falls at the last nucleotide of exon 25, which is part of the consensus splice site for this exon. This variant is present in population databases (rs374964318, gnomAD 0.004%). This variant has not been reported in the literature in individuals affected with CDH23-related conditions. ClinVar contains an entry for this variant (Variation ID: 966408). Experimental studies and prediction algorithms are not available or were not evaluated, and the functional significance of this variant is currently unknown. Variants that disrupt the consensus splice site are a relatively common cause of aberrant splicing (PMID: 17576681, 9536098). Algorithms developed to predict the effect of sequence changes on RNA splicing suggest that this variant may disrupt the consensus splice site. In summary, the available evidence is currently insufficient to determine the role of this variant in disease. Therefore, it has been classified as a Variant of Uncertain Significance.

Fulgent Genetics
Classification: Uncertain significance for Usher syndrome type 1D; Autosomal recessive nonsyndromic hearing loss 12; Pituitary adenoma 5, multiple types. Last evaluated: 2022-05-11. Review status: criteria provided, single submitter. Criteria: ACMG Guidelines, 2015. Collection method: clinical testing. Allele origin: unknown.

Athena Diagnostics
Classification: Uncertain significance. Last evaluated: 2021-01-12. Review status: criteria provided, single submitter. Criteria: Athena Diagnostics criteria. Collection method: clinical testing. Allele origin: unknown.

Natera, Inc.
Classification: Uncertain significance for Usher syndrome type 1. Last evaluated: 2020-06-19. Review status: no assertion criteria provided. Collection method: clinical testing. Allele origin: germline. Not counted in ClinVar's aggregate classification.

Literature cited by the submitters: PubMed 17576681 (cited by Labcorp Genetics (formerly Invitae), Labcorp); PubMed 9536098 (cited by Labcorp Genetics (formerly Invitae), Labcorp).